The following is an entry in ClinVar:

NM_001012339.3(DNAJC21):c.1155del (p.Lys385fs)

Gene: DNAJC21 (DnaJ heat shock protein family (Hsp40) member C21; plus strand). Cytogenetic location: 5p13.2.
Variant type: Deletion.
Coding change: c.1155del on transcript NM_001012339.3 (MANE Select); coding-DNA position 1155, one base deleted (A; older notation c.1155delA).
Protein change: p.Lys385fs; shifts the reading frame from lysine 385.
Molecular consequence: frameshift variant.
Genome position (GRCh38, 1-based): chr5:34,945,773, A deleted; the last of 6 consecutive A bases (chr5:34,945,768-34,945,773); deleting any one gives the same sequence. VCF-style (leftmost placement, unchanged base first): chr5-34945767-TA-T. GRCh37 (hg19) VCF-style: chr5-34945872-TA-T.
Other names: c.1194del, p.Lys398fs (NM_001348420.2); c.1155del, p.Lys385fs (NM_194283.4); short protein forms K385fs, K398fs.
Identifiers: ClinVar variation 2088733 (VCV002088733.4), dbSNP rs761105777, ClinGen allele CA645552862.

ClinVar aggregate classification (germline): Pathogenic (1 of 4 stars; one submission).

Submission:

Labcorp Genetics (formerly Invitae), Labcorp
Classification: Pathogenic. Last evaluated: 2022-08-16. Review status: criteria provided, single submitter. Criteria: Invitae Variant Classification Sherloc (09022015). Collection method: clinical testing. Allele origin: germline.
Comment: This variant is not present in population databases (gnomAD no frequency). This sequence change creates a premature translational stop signal (p.Lys385Asnfs*19) in the DNAJC21 gene. It is expected to result in an absent or disrupted protein product. Loss-of-function variants in DNAJC21 are known to be pathogenic (PMID: 27346687, 28062395). This variant has not been reported in the literature in individuals affected with DNAJC21-related conditions. For these reasons, this variant has been classified as Pathogenic.

Literature cited by the submitters: PubMed 27346687; PubMed 28062395.